The following is an entry in ClinVar:

NM_014915.3(ANKRD26):c.2562C>T (p.Val854=)

Gene: ANKRD26 (ankyrin repeat domain 26; minus strand). Cytogenetic location: 10p12.1.
Variant type: single nucleotide variant.
Coding change: c.2562C>T on transcript NM_014915.3 (MANE Select); coding-DNA position 2562, C replaced by T.
Protein change: p.Val854=; no amino-acid change (valine 854 retained).
Molecular consequence: synonymous variant.
Genome position (GRCh38, 1-based): chr10:27,037,321, G>A on the plus strand (C>T on the coding strand, the complement: ANKRD26 is on the minus strand). VCF-style: chr10-27037321-G-A. GRCh37 (hg19) VCF-style: chr10-27326250-G-A.
Other names: c.2559C>T, p.Val853= (NM_001256053.2).
Identifiers: ClinVar variation 3030009 (VCV003030009.5), dbSNP rs889042227, ClinGen allele CA204450644.

ClinVar aggregate classification (germline): Likely benign. Review status: criteria provided, multiple submitters, no conflicts (2 of 4 stars). 3 submissions from 3 submitters: Likely benign (2). 1 of the submissions does not count toward it. Last evaluated 2025-06-08.

Conditions:
ANKRD26-related disorder. Also called: ANKRD26-related condition.
Inborn genetic diseases. Identifiers: MedGen C0950123, MeSH D030342.

Allele frequency attached by ClinVar (database versions not stated): TOPMed below 0.00001; gnomAD exomes 0.00001.
gnomAD v4.1: 15 of 1,613,660 alleles (0.00093%); highest among the groups gnomAD compares: South Asian, 0.0077%; no homozygotes.

Submissions (3):

Ambry Genetics
Classification: Likely benign for Inborn genetic diseases. Last evaluated: 2025-06-08. Review status: criteria provided, single submitter. Criteria: Ambry Variant Classification Scheme 2023. Collection method: clinical testing. Allele origin: germline.

Labcorp Genetics (formerly Invitae), Labcorp
Classification: Likely benign. Last evaluated: 2024-07-04. Review status: criteria provided, single submitter. Criteria: Invitae Variant Classification Sherloc (09022015). Collection method: clinical testing. Allele origin: germline.

PreventionGenetics, part of Exact Sciences
Classification: Likely benign for ANKRD26-related condition. Last evaluated: 2020-11-29. Review status: no assertion criteria provided. Collection method: clinical testing. Allele origin: germline. Not counted in ClinVar's aggregate classification.
Comment: This variant is classified as likely benign based on ACMG/AMP sequence variant interpretation guidelines (Richards et al. 2015 PMID: 25741868, with internal and published modifications).